The following is an entry in ClinVar:

ClinVar aggregate classification (germline): Uncertain significance. Review status: criteria provided, multiple submitters, no conflicts (2 of 4 stars). 3 submissions from 3 submitters: Uncertain significance (3). Last evaluated 2024-04-11.

Conditions:
Hereditary nonpolyposis colorectal neoplasms. Identifiers: MedGen C0009405, MeSH D003123.
Hereditary cancer-predisposing syndrome. Also called: Neoplastic Syndromes, Hereditary; Tumor predisposition; Hereditary neoplastic syndrome; Hereditary Cancer Syndrome. Identifiers: Orphanet 140162, MedGen C0027672, MeSH D009386, MONDO:0015356.

Submissions (3):

Ambry Genetics
Classification: Uncertain significance for Hereditary cancer-predisposing syndrome. Last evaluated: 2024-04-11. Review status: criteria provided, single submitter. Criteria: Ambry Variant Classification Scheme 2023. Collection method: clinical testing. Allele origin: germline.
Comment: The p.K394R variant (also known as c.1181A>G), located in coding exon 11 of the PMS2 gene, results from an A to G substitution at nucleotide position 1181. The lysine at codon 394 is replaced by arginine, an amino acid with highly similar properties. This amino acid position is conserved. In addition, this alteration is predicted to be tolerated by in silico analysis. Based on the available evidence, the clinical significance of this variant remains unclear.

GeneDx
Classification: Uncertain significance. Last evaluated: 2020-02-12. Review status: criteria provided, single submitter. Criteria: GeneDx Variant Classification Process June 2021. Collection method: clinical testing. Allele origin: germline. Affected: yes.
Comment: Not observed in large population cohorts (Lek 2016); In silico analysis supports that this missense variant does not alter protein structure/function; Has not been previously published as pathogenic or benign to our knowledge

Labcorp Genetics (formerly Invitae), Labcorp
Classification: Uncertain significance for Hereditary nonpolyposis colorectal neoplasms. Last evaluated: 2018-10-31. Review status: criteria provided, single submitter. Criteria: Invitae Variant Classification Sherloc (09022015). Collection method: clinical testing. Allele origin: germline.
Comment: This variant has not been reported in the literature in individuals with PMS2-related disease. In summary, the available evidence is currently insufficient to determine the role of this variant in disease. Therefore, it has been classified as a Variant of Uncertain Significance. Algorithms developed to predict the effect of missense changes on protein structure and function output the following: SIFT: "Tolerated"; PolyPhen-2: "Benign"; Align-GVGD: "Class C0". The arginine amino acid residue is found in multiple mammalian species, suggesting that this missense change does not adversely affect protein function. These predictions have not been confirmed by published functional studies and their clinical significance is uncertain. This variant is not present in population databases (ExAC no frequency). This sequence change replaces lysine with arginine at codon 394 of the PMS2 protein (p.Lys394Arg). The lysine residue is weakly conserved and there is a small physicochemical difference between lysine and arginine.

NM_000535.7(PMS2):c.1181A>G (p.Lys394Arg)

Gene: PMS2 (PMS1 homolog 2, mismatch repair system component; minus strand). Cytogenetic location: 7p22.1.
Variant type: single nucleotide variant.
Coding change: c.1181A>G on transcript NM_000535.7 (MANE Select); coding-DNA position 1181, A replaced by G.
Protein change: p.Lys394Arg; replaces lysine 394 with arginine.
Molecular consequence: missense variant. On other transcripts: non-coding transcript variant (1).
Genome position (GRCh38, 1-based): chr7:5,987,584, T>C on the plus strand (A>G on the coding strand, the complement: PMS2 is on the minus strand). VCF-style: chr7-5987584-T-C. GRCh37 (hg19) VCF-style: chr7-6027215-T-C.
Other names: c.776A>G, p.Lys259Arg (NM_001322003.2, NM_001322004.2, NM_001322005.2 and 1 more transcripts); c.1025A>G, p.Lys342Arg (NM_001322006.2); c.863A>G, p.Lys288Arg (NM_001322007.2, NM_001322008.2); c.620A>G, p.Lys207Arg (NM_001322010.2); c.248A>G, p.Lys83Arg (NM_001322011.2, NM_001322012.2); c.608A>G, p.Lys203Arg (NM_001322013.2); c.1181A>G, p.Lys394Arg (NM_001322014.2); c.872A>G, p.Lys291Arg (NM_001322015.2); short protein forms K288R, K291R, K203R, K394R, K207R, K259R, K342R, K83R.
Identifiers: ClinVar variation 661049 (VCV000661049.11), dbSNP rs1583323684, ClinGen allele CA366742622.